The following is an entry in ClinVar:

NM_024642.5(GALNT12):c.781G>T (p.Asp261Tyr)

Gene: GALNT12 (polypeptide N-acetylgalactosaminyltransferase 12; plus strand). Cytogenetic location: 9q22.33.
Variant type: single nucleotide variant.
Coding change: c.781G>T on transcript NM_024642.5 (MANE Select); coding-DNA position 781, G replaced by T.
Protein change: p.Asp261Tyr; replaces aspartic acid 261 with tyrosine.
Molecular consequence: missense variant.
Genome position (GRCh38, 1-based): chr9:98,831,821, G>T. VCF-style: chr9-98831821-G-T. GRCh37 (hg19) VCF-style: chr9-101594103-G-T.
Other names: short protein forms D261Y.
Identifiers: ClinVar variation 3280548 (VCV003280548.1).
Genomic context (GRCh38, chr9:98,831,821, plus strand): 5'-GGTGCTTTCAGGATCCATGAAGAGGAGTCGGCAGTGGTGTGCCCGGTGATTGATGTGATC[G>T]ACTGGAACACCTTCGAATACCTGGGGAACTCCGGGGAGCCCCAGATCGGCGGTTTCGACT-3'
Protein context (NP_078918.3, residues 251-271): AVVCPVIDVI[Asp261Tyr]WNTFEYLGNS

ClinVar aggregate classification (germline): Uncertain significance (1 of 4 stars; one submission).

gnomAD v4.1: 1 of 1,614,162 alleles (0.000062%); no homozygotes.

Submission:

Ambry Genetics
Classification: Uncertain significance. Last evaluated: 2024-06-23. Review status: criteria provided, single submitter. Criteria: Ambry Variant Classification Scheme 2023. Collection method: clinical testing. Allele origin: germline.
Comment: The p.D261Y variant (also known as c.781G>T), located in coding exon 4 of the GALNT12 gene, results from a G to T substitution at nucleotide position 781. The aspartic acid at codon 261 is replaced by tyrosine, an amino acid with highly dissimilar properties. This amino acid position is conserved. In addition, this alteration is predicted to be deleterious by in silico analysis. Based on the available evidence, the clinical significance of this variant remains unclear.